The following is an entry in ClinVar:

NM_000038.6(APC):c.4149G>C (p.Met1383Ile)

Gene: APC (APC regulator of Wnt signaling pathway; plus strand). Cytogenetic location: 5q22.2.
Variant type: single nucleotide variant.
Coding change: c.4149G>C on transcript NM_000038.6 (MANE Select); coding-DNA position 4149, G replaced by C.
Protein change: p.Met1383Ile; replaces methionine 1383 with isoleucine.
Molecular consequence: missense variant.
Genome position (GRCh38, 1-based): chr5:112,839,743, G>C. VCF-style: chr5-112839743-G-C. GRCh37 (hg19) VCF-style: chr5-112175440-G-C.
Other names: c.4149G>C, p.Met1383Ile (NM_001127510.3, NM_001354895.2, NM_001407450.1); c.4095G>C, p.Met1365Ile (NM_001127511.3); c.4203G>C, p.Met1401Ile (NM_001354896.2, NM_001407447.1, NM_001407448.1 and 1 more transcripts); c.4179G>C, p.Met1393Ile (NM_001354897.2); c.4074G>C, p.Met1358Ile (NM_001354898.2); c.4065G>C, p.Met1355Ile (NM_001354899.2); c.4026G>C, p.Met1342Ile (NM_001354900.2); c.3972G>C, p.Met1324Ile (NM_001354901.2, NM_001407453.1); and 11 more; short protein forms M1257I, M1355I, M1365I, M1393I, M1411I, M1254I, M1282I, M1292I.
Identifiers: ClinVar variation 2000152 (VCV002000152.4), dbSNP rs2533552362, ClinGen allele CA16030419.
Genomic context (GRCh38, chr5:112,839,743, plus strand): 5'-AAGTGGTGCTCAGACACCCAAAAGTCCACCTGAACACTATGTTCAGGAGACCCCACTCAT[G>C]TTTAGCAGATGTACTTCTGTCAGTTCACTTGATAGTTTTGAGAGTCGTTCGATTGCCAGC-3'
Protein context (NP_000029.2, residues 1373-1393): PEHYVQETPL[Met1383Ile]FSRCTSVSSL

ClinVar aggregate classification (germline): Uncertain significance (1 of 4 stars; one submission).

Conditions:
Familial adenomatous polyposis 1 (FAP1). Also called: FAMILIAL ADENOMATOUS POLYPOSIS 1, ATTENUATED; POLYPOSIS, ADENOMATOUS INTESTINAL. Identifiers: MedGen C2713442, MONDO:0021056, OMIM 175100. Disease mechanism: loss of function.

Submission:

Labcorp Genetics (formerly Invitae), Labcorp
Classification: Uncertain significance for Familial adenomatous polyposis 1. Last evaluated: 2022-05-28. Review status: criteria provided, single submitter. Criteria: Invitae Variant Classification Sherloc (09022015). Collection method: clinical testing. Allele origin: germline.
Comment: This sequence change replaces methionine, which is neutral and non-polar, with isoleucine, which is neutral and non-polar, at codon 1383 of the APC protein (p.Met1383Ile). This variant is not present in population databases (gnomAD no frequency). This variant has not been reported in the literature in individuals affected with APC-related conditions. Algorithms developed to predict the effect of missense changes on protein structure and function (SIFT, PolyPhen-2, Align-GVGD) all suggest that this variant is likely to be tolerated. In summary, the available evidence is currently insufficient to determine the role of this variant in disease. Therefore, it has been classified as a Variant of Uncertain Significance.